The following is an entry in ClinVar:

NM_153704.6(TMEM67):c.2287A>G (p.Ile763Val)

Gene: TMEM67 (transmembrane protein 67; plus strand). Cytogenetic location: 8q22.1.
Variant type: single nucleotide variant.
Coding change: c.2287A>G on transcript NM_153704.6 (MANE Select); coding-DNA position 2287, A replaced by G.
Protein change: p.Ile763Val; replaces isoleucine 763 with valine.
Molecular consequence: missense variant. On other transcripts: non-coding transcript variant (1).
Genome position (GRCh38, 1-based): chr8:93,803,649, A>G. VCF-style: chr8-93803649-A-G. GRCh37 (hg19) VCF-style: chr8-94815877-A-G.
Other names: c.2044A>G, p.Ile682Val (NM_001142301.1); short protein forms I682V, I763V.
Identifiers: ClinVar variation 2924445 (VCV002924445.3), dbSNP rs1034905941, ClinGen allele CA181343410.
Genomic context (GRCh38, chr8:93,803,649, plus strand): 5'-GACTTAATGTTTCAGGTCGTGTTCTTTGCTGTCTTTTATGAGAGATTTATAGAAGATAAA[A>G]TTCGACAGTTCGTTGATTTATGCTCTATGAGTAATGTAAGTACTTTCTGACTTCATCTTG-3'
Protein context (NP_714915.3, residues 753-773): VFYERFIEDK[Ile763Val]RQFVDLCSMS

ClinVar aggregate classification (germline): Uncertain significance. Review status: criteria provided, multiple submitters, no conflicts (2 of 4 stars). 2 submissions from 2 submitters: Uncertain significance (2). Last evaluated 2024-02-09.

Conditions:
Joubert syndrome 6 (JBTS6). Identifiers: Orphanet 475, MedGen C1853153, MONDO:0012539, OMIM 610688.
Bardet-Biedl syndrome 14 (BBS14). Identifiers: Orphanet 110, MedGen C2673874, MONDO:0014442, OMIM 615991.
Nephronophthisis 11 (NPHP11). Identifiers: Orphanet 84081, MedGen C3150796, MONDO:0013302, OMIM 613550.
COACH syndrome 1. Identifiers: Orphanet 1454, MedGen C5435651, MONDO:0800103, OMIM 216360, MONDO:0008996.
Meckel syndrome, type 3 (MKS3). Also called: MECKEL-GRUBER SYNDROME, TYPE 3. Identifiers: Orphanet 564, MedGen C1846357, MONDO:0011821, OMIM 607361.
RHYNS syndrome. Also called: RETINITIS PIGMENTOSA SYNDROME; RETINITIS PIGMENTOSA, HYPOPITUITARISM, NEPHRONOPHTHISIS, AND MILD SKELETAL DYSPLASIA. Identifiers: Orphanet 140976, MedGen C1865794, MONDO:0011202, OMIM 602152.
Joubert syndrome. Also called: CEREBELLOPARENCHYMAL DISORDER IV; JOUBERT-BOLTSHAUSER SYNDROME; Familial aplasia of the vermis. Identifiers: Orphanet 475, MedGen C5979921, MONDO:0018772.
Meckel-Gruber syndrome. Also called: DYSENCEPHALIA SPLANCHNOCYSTICA; GRUBER SYNDROME; Dysencephalia splachnocystica. Identifiers: Orphanet 564, MedGen C0265215, MONDO:0018921.

Allele frequency attached by ClinVar (database versions not stated): TOPMed 0.00001.
gnomAD v4.1: 1 of 1,605,248 alleles (0.000062%); no homozygotes.

Submissions (2):

Fulgent Genetics
Classification: Uncertain significance for COACH syndrome 1; RHYNS syndrome; Meckel syndrome, type 3; Joubert syndrome 6; Nephronophthisis 11; Bardet-Biedl syndrome 14. Last evaluated: 2024-02-09. Review status: criteria provided, single submitter. Criteria: ACMG Guidelines, 2015. Collection method: clinical testing. Allele origin: germline.

Labcorp Genetics (formerly Invitae), Labcorp
Classification: Uncertain significance for Joubert syndrome; Meckel-Gruber syndrome. Last evaluated: 2023-09-01. Review status: criteria provided, single submitter. Criteria: Invitae Variant Classification Sherloc (09022015). Collection method: clinical testing. Allele origin: germline.
Comment: This sequence change replaces isoleucine, which is neutral and non-polar, with valine, which is neutral and non-polar, at codon 763 of the TMEM67 protein (p.Ile763Val). This variant is not present in population databases (gnomAD no frequency). This variant has not been reported in the literature in individuals affected with TMEM67-related conditions. Advanced modeling of protein sequence and biophysical properties (such as structural, functional, and spatial information, amino acid conservation, physicochemical variation, residue mobility, and thermodynamic stability) performed at Invitae indicates that this missense variant is expected to disrupt TMEM67 protein function. In summary, the available evidence is currently insufficient to determine the role of this variant in disease. Therefore, it has been classified as a Variant of Uncertain Significance.